The following is an entry in ClinVar:

NM_012213.3(MLYCD):c.60del (p.Arg21fs)

Genes: MLYCD (malonyl-CoA decarboxylase; plus strand), LOC130059554 (ATAC-STARR-seq lymphoblastoid silent region 7769; plus strand). Cytogenetic location: 16q23.3.
Variant type: Deletion.
Coding change: c.60del on transcript NM_012213.3 (MANE Select); coding-DNA position 60, one base deleted (G; older notation c.60delG).
Protein change: p.Arg21fs; shifts the reading frame from arginine 21.
Molecular consequence: frameshift variant.
Genome position (GRCh38, 1-based): chr16:83,899,204, G deleted. VCF-style (leftmost placement, unchanged base first): chr16-83899203-CG-C. GRCh37 (hg19) VCF-style: chr16-83932808-CG-C.
Other names: short protein forms R21fs.
Identifiers: ClinVar variation 1424276 (VCV001424276.7), dbSNP rs987846203, ClinGen allele CA285421472.

ClinVar aggregate classification (germline): Pathogenic/Likely pathogenic. Review status: criteria provided, multiple submitters, no conflicts (2 of 4 stars). 2 submissions from 2 submitters: Pathogenic (1); Likely pathogenic (1). Last evaluated 2025-04-25.

Conditions:
Deficiency of malonyl-CoA decarboxylase. Also called: Malonic aciduria; MCD deficiency. Identifiers: Orphanet 943, MedGen C0342793, MONDO:0009556, OMIM 248360.

Allele frequency attached by ClinVar (database versions not stated): gnomAD 0.00001; TOPMed 0.00001; gnomAD exomes 0.00006; 1000 Genomes Project 30x 0.00016.

Submissions (2):

Labcorp Genetics (formerly Invitae), Labcorp
Classification: Pathogenic for Deficiency of malonyl-CoA decarboxylase. Last evaluated: 2025-04-25. Review status: criteria provided, single submitter. Criteria: Invitae Variant Classification Sherloc (09022015). Collection method: clinical testing. Allele origin: germline.
Comment: This sequence change creates a premature translational stop signal (p.Arg21Glyfs*52) in the MLYCD gene. It is expected to result in an absent or disrupted protein product. Loss-of-function variants in MLYCD are known to be pathogenic (PMID: 12955715, 17186413). This variant is not present in population databases (gnomAD no frequency). This variant has not been reported in the literature in individuals affected with MLYCD-related conditions. ClinVar contains an entry for this variant (Variation ID: 1424276). For these reasons, this variant has been classified as Pathogenic.

Fulgent Genetics
Classification: Likely pathogenic for Deficiency of malonyl-CoA decarboxylase. Last evaluated: 2024-04-02. Review status: criteria provided, single submitter. Criteria: ACMG Guidelines, 2015. Collection method: clinical testing. Allele origin: germline.

Literature cited by the submitters: PubMed 12955715 (cited by Labcorp Genetics (formerly Invitae), Labcorp); PubMed 17186413 (cited by Labcorp Genetics (formerly Invitae), Labcorp).